The following is an entry in ClinVar:

ClinVar aggregate classification (germline): Uncertain significance (1 of 4 stars; one submission).

gnomAD v4.1: 8 of 1,612,688 alleles (0.0005%); highest among the groups gnomAD compares: African/African-American, 0.011%; no homozygotes.

Submission:

Labcorp Genetics (formerly Invitae), Labcorp
Classification: Uncertain significance. Last evaluated: 2024-11-11. Review status: criteria provided, single submitter. Criteria: Invitae Variant Classification Sherloc (09022015). Collection method: clinical testing. Allele origin: germline.
Comment: This sequence change replaces tyrosine, which is neutral and polar, with histidine, which is basic and polar, at codon 74 of the IFT81 protein (p.Tyr74His). This variant is present in population databases (rs563188790, gnomAD 0.01%). This variant has not been reported in the literature in individuals affected with IFT81-related conditions. Invitae Evidence Modeling of protein sequence and biophysical properties (such as structural, functional, and spatial information, amino acid conservation, physicochemical variation, residue mobility, and thermodynamic stability) indicates that this missense variant is expected to disrupt IFT81 protein function with a positive predictive value of 80%. In summary, the available evidence is currently insufficient to determine the role of this variant in disease. Therefore, it has been classified as a Variant of Uncertain Significance.

NM_014055.4(IFT81):c.220T>C (p.Tyr74His)

Gene: IFT81 (intraflagellar transport 81; plus strand). Cytogenetic location: 12q24.11.
Variant type: single nucleotide variant.
Coding change: c.220T>C on transcript NM_014055.4 (MANE Select); coding-DNA position 220, T replaced by C.
Protein change: p.Tyr74His; replaces tyrosine 74 with histidine.
Molecular consequence: missense variant. On other transcripts: non-coding transcript variant (4), 5 prime UTR variant (2).
Genome position (GRCh38, 1-based): chr12:110,128,121, T>C. VCF-style: chr12-110128121-T-C. GRCh37 (hg19) VCF-style: chr12-110565926-T-C.
Other names: c.220T>C, p.Tyr74His (NM_031473.4, NM_001143779.2, NM_001347946.2); c.-547T>C (NM_001347947.2, NM_001347948.2); short protein forms Y74H.
Identifiers: ClinVar variation 3608500 (VCV003608500.2).